The following is an entry in ClinVar:

NM_024537.4(CARS2):c.1025TCT[1] (p.Phe343del)

Gene: CARS2 (cysteinyl-tRNA synthetase 2, mitochondrial; minus strand). Cytogenetic location: 13q34.
Variant type: Microsatellite.
Coding change: c.1025TCT[1] on transcript NM_024537.4 (MANE Select); one copy of the 3-base unit TCT starting at c.1025; the reference has two copies in a row; one copy, 3 bases deleted.
Protein change: p.Phe343del; deletes phenylalanine 343.
Molecular consequence: inframe deletion. On other transcripts: non-coding transcript variant (2).
Genome position (GRCh38, 1-based): chr13:110,651,058-110,651,060, AGA deleted on the plus strand (TCT on the coding strand, the reverse complement: CARS2 is on the minus strand); deleting any 3 consecutive bases within chr13:110,651,058-110,651,064 gives the same sequence; the position shown is the placement nearest the transcript's 3' end. VCF-style (leftmost placement, unchanged base first): chr13-110651057-CAGA-C. GRCh37 (hg19) VCF-style: chr13-111303404-CAGA-C.
Other names: c.239TCT[1], p.Phe81del (NM_001352252.2); short protein forms F343del, F81del.
Identifiers: ClinVar variation 1009783 (VCV001009783.8), dbSNP rs1420184025, ClinGen allele CA612642062.
Genomic context (GRCh38, chr13:110,651,057, plus strand): 5'-CTGGGGGGGGAGTCCACTCCACGTGTGCTCGGCTCACCTGAGCGGTAGCTGCTCCGCAGG[CAGA>C]AGAACCGGAAGACATCGGGGGAAAAGGTCTTCAGAAAGTCCTGGTAAAGCGAGAGACAGG-3'

ClinVar aggregate classification (germline): Uncertain significance (1 of 4 stars; one submission).

Conditions:
Combined oxidative phosphorylation defect type 27. Also called: Combined oxidative phosphorylation deficiency 27. Identifiers: Orphanet 477774, MedGen C5567608, MONDO:0014728, OMIM 616672.

Submission:

Labcorp Genetics (formerly Invitae), Labcorp
Classification: Uncertain significance for Combined oxidative phosphorylation defect type 27. Last evaluated: 2020-09-20. Review status: criteria provided, single submitter. Criteria: Invitae Variant Classification Sherloc (09022015). Collection method: clinical testing. Allele origin: germline.
Comment: In summary, the available evidence is currently insufficient to determine the role of this variant in disease. Therefore, it has been classified as a Variant of Uncertain Significance. Experimental studies and prediction algorithms are not available or were not evaluated, and the functional significance of this variant is currently unknown. This variant has not been reported in the literature in individuals with CARS2-related conditions. This variant is not present in population databases (ExAC no frequency). This variant, c.1028_1030del, results in the deletion of 1 amino acid(s) of the CARS2 protein (p.Phe343del), but otherwise preserves the integrity of the reading frame.